The following is an entry in ClinVar:

ClinVar aggregate classification (germline): Uncertain significance. Review status: criteria provided, multiple submitters, no conflicts (2 of 4 stars). 2 submissions from 2 submitters: Uncertain significance (2). Last evaluated 2022-09-06.

Conditions:
Hereditary cancer-predisposing syndrome. Also called: Neoplastic Syndromes, Hereditary; Tumor predisposition; Hereditary Cancer Syndrome; Hereditary neoplastic syndrome. Identifiers: Orphanet 140162, MedGen C0027672, MeSH D009386, MONDO:0015356.
Cardiovascular phenotype. Identifiers: MedGen CN230736.

Allele frequency attached by ClinVar (database versions not stated): gnomAD exomes below 0.00001.

Submissions (2):

Ambry Genetics
Classification: Uncertain significance for Cardiovascular phenotype; Hereditary cancer-predisposing syndrome. Last evaluated: 2022-09-06. Review status: criteria provided, single submitter. Criteria: Ambry Variant Classification Scheme 2023. Collection method: clinical testing. Allele origin: germline.
Comment: The c.791+2dupT intronic variant, results from a duplication of two nucleotides at nucleotide position 791 after intron 8 of the LZTR1 gene. This nucleotide position is highly conserved in available vertebrate species. In silico splice site analysis predicts that this alteration will weaken the native splice donor site; however, direct evidence is insufficient at this time (Ambry internal data). Since supporting evidence is limited at this time, the clinical significance of this alteration remains unclear.

Labcorp Genetics (formerly Invitae), Labcorp
Classification: Uncertain significance. Last evaluated: 2022-02-18. Review status: criteria provided, single submitter. Criteria: Invitae Variant Classification Sherloc (09022015). Collection method: clinical testing. Allele origin: germline.
Comment: This sequence change falls in intron 8 of the LZTR1 gene. It does not directly change the encoded amino acid sequence of the LZTR1 protein. It affects a nucleotide within the consensus splice site. This variant is not present in population databases (gnomAD no frequency). This variant has been observed in individual(s) with clinical features of Noonan syndrome (Invitae). Variants that disrupt the consensus splice site are a relatively common cause of aberrant splicing (PMID: 17576681, 9536098). Algorithms developed to predict the effect of sequence changes on RNA splicing suggest that this variant may disrupt the consensus splice site. In summary, the available evidence is currently insufficient to determine the role of this variant in disease. Therefore, it has been classified as a Variant of Uncertain Significance.

Literature cited by the submitters: PubMed 17576681 (cited by Labcorp Genetics (formerly Invitae), Labcorp); PubMed 9536098 (cited by Labcorp Genetics (formerly Invitae), Labcorp).

NM_006767.4(LZTR1):c.791+2dup

Gene: LZTR1 (leucine zipper like post translational regulator 1; plus strand). Cytogenetic location: 22q11.21.
Variant type: Duplication.
Coding change: c.791+2dup on transcript NM_006767.4 (MANE Select); the canonical splice donor site of the intron after coding-DNA position 791, one base duplicated (T; older notation c.791+2dupT).
Molecular consequence: splice donor variant.
Genome position (GRCh38, 1-based): chr22:20,990,527, T duplicated. VCF-style (leftmost placement, unchanged base first): chr22-20990526-G-GT. GRCh37 (hg19) VCF-style: chr22-21344815-G-GT.
Identifiers: ClinVar variation 1761189 (VCV001761189.7), dbSNP rs1924570608, ClinGen allele CA2396640358.
Genomic context (GRCh38, chr22:20,990,526, plus strand): 5'-TGGGCAAAGCGGAGCCAAAATAACCAACAACCTCTTCCAGTTTGAATTCAAGGACAAGAC[G>GT]TGAGTACTCTGGCCAGTGGGGTGGAGGGAGGACGGTCAGTTCCCTCGAATCCTTCTGAAT-3'